The following is an entry in ClinVar:

ClinVar aggregate classification (germline): Uncertain significance. Review status: criteria provided, multiple submitters, no conflicts (2 of 4 stars). 2 submissions from 2 submitters: Uncertain significance (2). Last evaluated 2025-08-29.

Conditions:
Common variable immunodeficiency (CVID). Also called: Common variable hypogamma-globulinemia; Common variable agammaglobulinemia. Identifiers: Orphanet 1572, MedGen C0009447, MONDO:0015517.

Submissions (2):

Ambry Genetics
Classification: Uncertain significance. Last evaluated: 2025-08-29. Review status: criteria provided, single submitter. Criteria: Ambry Variant Classification Scheme 2023. Collection method: clinical testing. Allele origin: germline.

Labcorp Genetics (formerly Invitae), Labcorp
Classification: Uncertain significance for Common variable immunodeficiency. Last evaluated: 2024-04-30. Review status: criteria provided, single submitter. Criteria: Invitae Variant Classification Sherloc (09022015). Collection method: clinical testing. Allele origin: germline.
Comment: This sequence change replaces leucine, which is neutral and non-polar, with phenylalanine, which is neutral and non-polar, at codon 240 of the TNFSF12 protein (p.Leu240Phe). This variant is not present in population databases (gnomAD no frequency). This variant has not been reported in the literature in individuals affected with TNFSF12-related conditions. An algorithm developed to predict the effect of missense changes on protein structure and function (PolyPhen-2) suggests that this variant is likely to be disruptive. In summary, the available evidence is currently insufficient to determine the role of this variant in disease. Therefore, it has been classified as a Variant of Uncertain Significance.

NM_003809.3(TNFSF12):c.718C>T (p.Leu240Phe)

Genes: TNFSF12 (TNF superfamily member 12; plus strand), TNFSF12-TNFSF13 (TNFSF12-TNFSF13 readthrough; plus strand). Cytogenetic location: 17p13.1.
Variant type: single nucleotide variant.
Coding change: c.718C>T on transcript NM_003809.3 (MANE Select); coding-DNA position 718, C replaced by T.
Protein change: p.Leu240Phe; replaces leucine 240 with phenylalanine.
Molecular consequence: missense variant. On other transcripts: non-coding transcript variant (1), intron variant (1).
Genome position (GRCh38, 1-based): chr17:7,557,318, C>T. VCF-style: chr17-7557318-C-T. GRCh37 (hg19) VCF-style: chr17-7460635-C-T.
Other names: c.718C>T (NM_003809.2); c.498+416C>T (NM_172089.4); short protein forms L240F.
Identifiers: ClinVar variation 2793012 (VCV002793012.4), dbSNP rs2071085726, ClinGen allele CA397864886.
Genomic context (GRCh38, chr17:7,557,318, plus strand): 5'-CCAGGGTCCTCCCTGCGGATCCGCACCCTCCCCTGGGCCCATCTCAAGGCTGCCCCCTTC[C>T]TCACCTACTTCGGACTCTTCCAGGTTCACTGAGGGGCCCTGGTCTCCCCGCAGTCGTCCC-3'
Protein context (NP_003800.1, residues 230-249): PWAHLKAAPF[Leu240Phe]TYFGLFQVH